The following is an entry in ClinVar:

NM_024422.6(DSC2):c.1263+3_1263+4insG

Gene: DSC2 (desmocollin 2; minus strand). Cytogenetic location: 18q12.1.
Variant type: Insertion.
Coding change: c.1263+3_1263+4insG on transcript NM_024422.6 (MANE Select); bases 3 to 4 of the intron after coding-DNA position 1263, G inserted.
Molecular consequence: intron variant.
Genome position: GRCh38 VCF-style: chr18-31082234-T-TC. GRCh37 (hg19) VCF-style: chr18-28662200-T-TC.
Other names: c.1263+3_1263+4insG (NM_004949.5).
Identifiers: ClinVar variation 1021713 (VCV001021713.6), dbSNP rs1987243436, ClinGen allele CA2293651831.

ClinVar aggregate classification (germline): Uncertain significance (1 of 4 stars; one submission).

Conditions:
Arrhythmogenic right ventricular dysplasia 11. Also called: Arrhythmogenic Right Ventricular Dysplasia/Cardiomyopathy11; ARRHYTHMOGENIC RIGHT VENTRICULAR DYSPLASIA, FAMILIAL, 11; Arrhythmogenic right ventricular dysplasia 11 with mild palmoplantar keratoderma and woolly hair. Identifiers: MedGen C1864850, MONDO:0012506, OMIM 610476.

Submission:

Labcorp Genetics (formerly Invitae), Labcorp
Classification: Uncertain significance for Arrhythmogenic right ventricular dysplasia 11. Last evaluated: 2024-01-23. Review status: criteria provided, single submitter. Criteria: Invitae Variant Classification Sherloc (09022015). Collection method: clinical testing. Allele origin: germline.
Comment: This sequence change falls in intron 9 of the DSC2 gene. It does not directly change the encoded amino acid sequence of the DSC2 protein. It affects a nucleotide within the consensus splice site. This variant is not present in population databases (gnomAD no frequency). This variant has not been reported in the literature in individuals affected with DSC2-related conditions. ClinVar contains an entry for this variant (Variation ID: 1021713). Variants that disrupt the consensus splice site are a relatively common cause of aberrant splicing (PMID: 17576681, 9536098). Algorithms developed to predict the effect of sequence changes on RNA splicing suggest that this variant may disrupt the consensus splice site. In summary, the available evidence is currently insufficient to determine the role of this variant in disease. Therefore, it has been classified as a Variant of Uncertain Significance.

Literature cited by the submitters: PubMed 17576681; PubMed 9536098.